The following is an entry in ClinVar:

NM_006118.4(HAX1):c.95A>T (p.Asp32Val)

Gene: HAX1 (HCLS1 associated protein X-1; plus strand). Cytogenetic location: 1q21.3.
Variant type: single nucleotide variant.
Coding change: c.95A>T on transcript NM_006118.4 (MANE Select); coding-DNA position 95, A replaced by T.
Protein change: p.Asp32Val; replaces aspartic acid 32 with valine.
Molecular consequence: missense variant. On other transcripts: intron variant (1).
Genome position (GRCh38, 1-based): chr1:154,273,377, A>T. VCF-style: chr1-154273377-A-T. GRCh37 (hg19) VCF-style: chr1-154245853-A-T.
Other names: c.54-103A>T (NM_001018837.2); short protein forms D32V.
Identifiers: ClinVar variation 4826684 (VCV004826684.1).

ClinVar aggregate classification (germline): Uncertain significance (1 of 4 stars; one submission).

Conditions:
Inborn genetic diseases. Identifiers: MedGen C0950123, MeSH D030342.

Submission:

Ambry Genetics
Classification: Uncertain significance for Inborn genetic diseases. Last evaluated: 2026-03-11. Review status: criteria provided, single submitter. Criteria: Ambry Variant Classification Scheme 2023. Collection method: clinical testing. Allele origin: germline.
Comment: The p.D32V variant (also known as c.95A>T), located in coding exon 2 of the HAX1 gene, results from an A to T substitution at nucleotide position 95. The aspartic acid at codon 32 is replaced by valine, an amino acid with highly dissimilar properties. This amino acid position is conserved. In addition, this alteration is predicted to be tolerated by in silico analysis. Based on the available evidence, the clinical significance of this variant remains unclear.